The following is an entry in ClinVar:

NM_003002.4(SDHD):c.275A>T (p.Asp92Val)

Gene: SDHD (succinate dehydrogenase complex subunit D; plus strand). Cytogenetic location: 11q23.1.
Variant type: single nucleotide variant.
Coding change: c.275A>T on transcript NM_003002.4 (MANE Select); coding-DNA position 275, A replaced by T.
Protein change: p.Asp92Val; replaces aspartic acid 92 with valine.
Molecular consequence: missense variant. On other transcripts: non-coding transcript variant (1), intron variant (1).
Genome position (GRCh38, 1-based): chr11:112,088,972, A>T. VCF-style: chr11-112088972-A-T. GRCh37 (hg19) VCF-style: chr11-111959696-A-T.
Other names: c.158A>T, p.Asp53Val (NM_001276504.2); c.275A>T, p.Asp92Val (NM_001276506.2); c.169+999A>T (NM_001276503.2); short protein forms D92V, D53V.
Identifiers: ClinVar variation 420665 (VCV000420665.12), dbSNP rs786205436, ClinGen allele CA16619272.
Genomic context (GRCh38, chr11:112,088,972, plus strand): 5'-TCAGTGTTTTGCTCCTGGGTCTGCTTCCGGCTGCTTATTTGAATCCTTGCTCTGCGATGG[A>T]CTATTCCCTGGCTGCAGCCCTCACTCTTCATGGTCACTGGCAAGTATAGCAATTCCAAAT-3'
Protein context (NP_002993.1, residues 82-102): AAYLNPCSAM[Asp92Val]YSLAAALTLH

ClinVar aggregate classification (germline): Likely pathogenic. Review status: criteria provided, multiple submitters, no conflicts (2 of 4 stars). 3 submissions from 3 submitters: Likely pathogenic (3). Last evaluated 2026-01-23.

Conditions:
Hereditary cancer-predisposing syndrome. Also called: Hereditary neoplastic syndrome; Tumor predisposition; Neoplastic Syndromes, Hereditary; Hereditary Cancer Syndrome. Identifiers: Orphanet 140162, MedGen C0027672, MeSH D009386, MONDO:0015356.
Pheochromocytoma. Also called: MAX-Related Hereditary Paraganglioma-Pheochromocytoma Syndrome. Identifiers: Orphanet 29072, MedGen C0031511, MONDO:0008233, OMIM 171300, HP:0002666.
Cowden syndrome 3 (CWS3). Identifiers: Orphanet 201, MedGen CN166604, MONDO:0014045.
Paragangliomas with sensorineural hearing loss. Identifiers: MedGen C1868633.
Carney-Stratakis syndrome. Also called: PARAGANGLIOMA AND GASTROINTESTINAL STROMAL TUMOR. Identifiers: Orphanet 97286, MedGen C1847319, MONDO:0011740, OMIM 606864.

Submissions (3):

Labcorp Genetics (formerly Invitae), Labcorp
Classification: Likely pathogenic for Carney-Stratakis syndrome; Paragangliomas with sensorineural hearing loss; Pheochromocytoma; Cowden syndrome 3. Last evaluated: 2026-01-23. Review status: criteria provided, single submitter. Criteria: Invitae Variant Classification Sherloc (09022015). Collection method: clinical testing. Allele origin: germline.
Comment: This sequence change replaces aspartic acid, which is acidic and polar, with valine, which is neutral and non-polar, at codon 92 of the SDHD protein (p.Asp92Val). This variant is not present in population databases (gnomAD no frequency). This missense change has been observed in individual(s) with clinical features of hereditary paraganglioma-pheochromocytoma syndrome (PMID: 34906457; internal data). ClinVar contains an entry for this variant (Variation ID: 420665). Invitae Evidence Modeling of protein sequence and biophysical properties (such as structural, functional, and spatial information, amino acid conservation, physicochemical variation, residue mobility, and thermodynamic stability) indicates that this missense variant is expected to disrupt SDHD protein function with a positive predictive value of 95%. Algorithms developed to predict the effect of sequence changes on RNA splicing suggest that this variant may disrupt the consensus splice site. This variant disrupts the p.Asp92 amino acid residue in SDHD. Other variant(s) that disrupt this residue have been determined to be pathogenic (PMID: 19584903, 21348866). This suggests that this residue is clinically significant, and that variants that disrupt this residue are likely to be disease-causing. In summary, the currently available evidence indicates that the variant is pathogenic, but additional data are needed to prove that conclusively. Therefore, this variant has been classified as Likely Pathogenic.

Ambry Genetics
Classification: Likely pathogenic for Hereditary cancer-predisposing syndrome. Last evaluated: 2024-07-11. Review status: criteria provided, single submitter. Criteria: Ambry Variant Classification Scheme 2023. Collection method: clinical testing. Allele origin: germline.
Comment: The p.D92V likely pathogenic variant (also known as c.275A>T), located in coding exon 3 of the SDHD gene, results from an A to T substitution at nucleotide position 275. The aspartic acid at codon 92 is replaced by valine, an amino acid with highly dissimilar properties. This variant has been observed in multiple individuals with a personal and/or family history that is consistent with SDHD-associated disease (Ambry internal data). Another mutation at the same codon, p.D92Y, is recognized as a Dutch founder mutation and has been reported in multiple individuals with paraganglioma-pheochromocytoma syndrome (PGL/PCC) (Hensen EF et al. Clin. Genet. 2012 Mar;81(3):284-8). Another mutation at the same codon, p.D92G, has been reported in a homozygous individual who passed away in infancy from severe mitochondrial complex II deficiency (Alston CL et al. Hum. Genet. 2015 Aug;134(8):869-79). Structural analysis of the p.D92V alteration suggests that this variant disrupts the folding of SDHD to a higher degree than the known pathogenic variants p.D92Y and p.D92G at the same position, leading either to reduction or loss of protein function (Ambry internal data). This variant is considered to be rare based on population cohorts in the Genome Aggregation Database (gnomAD). This amino acid position is highly conserved in available vertebrate species. In addition, this alteration is predicted to be deleterious by in silico analysis. Based on the majority of available evidence to date, this variant is likely to be pathogenic.

GeneDx
Classification: Likely pathogenic. Last evaluated: 2016-04-14. Review status: criteria provided, single submitter. Criteria: GeneDx Variant Classification (06012015). Collection method: clinical testing. Allele origin: germline. Affected: yes.
Comment: This variant is denoted SDHD c.275A>T at the cDNA level, p.Asp92Val (D92V) at the protein level, and results in the change of an Aspartic Acid to a Valine (GAC>GTC). This variant has not, to our knowledge, been published in the literature as pathogenic or benign; however, another variant at the same residue, SDHD Asp92Tyr, is a well described Dutch pathogenic founder variant (van Schothorst 1998, Hensen 2010). SDHD Asp92Val was not observed in approximately 6,500 individuals of European and African American ancestry in the NHLBI Exome Sequencing Project, suggesting it is not a common benign variant in these populations. Since Aspartic Acid and Valine differ in polarity, charge, size or other properties, this is considered a non-conservative amino acid substitution. SDHD Asp92Val occurs at a position that is conserved across species and is located in the transmembrane helical domain (UniProt). In silico analyses predict that this variant is probably damaging to protein structure and function. Based on the currently available evidence, we consider SDHD Asp92Val to be a likely pathogenic variant.

Literature cited by the submitters: PubMed 34906457 (cited by Labcorp Genetics (formerly Invitae), Labcorp); PubMed 19584903 (cited by Labcorp Genetics (formerly Invitae), Labcorp); PubMed 21348866 (cited by Labcorp Genetics (formerly Invitae), Labcorp).